The following is an entry in ClinVar:

NM_000321.3(RB1):c.2325+1G>C

Gene: RB1 (RB transcriptional corepressor 1; plus strand). Cytogenetic location: 13q14.2.
Variant type: single nucleotide variant.
Coding change: c.2325+1G>C on transcript NM_000321.3 (MANE Select); the canonical splice donor site of the intron after coding-DNA position 2325, G replaced by C.
Molecular consequence: splice donor variant.
Genome position (GRCh38, 1-based): chr13:48,465,112, G>C. VCF-style: chr13-48465112-G-C. GRCh37 (hg19) VCF-style: chr13-49039248-G-C.
Other names: c.2325+1G>C (NM_001407165.1).
Identifiers: ClinVar variation 428704 (VCV000428704.13), dbSNP rs1131690882, ClinGen allele CA388167738.
Genomic context (GRCh38, chr13:48,465,112, plus strand): 5'-TATAACTCGGTCTTCATGCAGAGACTGAAAACAAATATTTTGCAGTATGCTTCCACCAGG[G>C]TAGGTCAAAAGTATCCTTTGATTGGAAAAATCTAATGTAATGGGTCCACCAAAACATTAA-3'

ClinVar aggregate classification (germline): Pathogenic/Likely pathogenic. Review status: criteria provided, multiple submitters, no conflicts (2 of 4 stars). 4 submissions from 4 submitters: Pathogenic (3); Likely pathogenic (1). Last evaluated 2026-04-15.

Conditions:
Hereditary cancer-predisposing syndrome. Also called: Tumor predisposition; Neoplastic Syndromes, Hereditary; Hereditary Cancer Syndrome; Hereditary neoplastic syndrome. Identifiers: Orphanet 140162, MedGen C0027672, MeSH D009386, MONDO:0015356.
Retinoblastoma (RB1). Also called: RETINOBLASTOMA, SOMATIC. Identifiers: Orphanet 790, MedGen C0035335, MeSH D012175, MONDO:0008380, OMIM 180200, HP:0009919. Disease mechanism: loss of function. Inheritance: Both sporadic and heritable forms are tested..

Submissions (4):

GeneDx
Classification: Pathogenic. Last evaluated: 2026-04-15. Review status: criteria provided, single submitter. Criteria: GeneDx Variant Classification Process June 2021. Collection method: clinical testing. Allele origin: germline.
Comment: Canonical splice site variant predicted to result in an in-frame loss of the adjacent exon in a gene for which loss of function is a known mechanism of disease; Not observed at significant frequency in large population cohorts (gnomAD); This variant is associated with the following publications: (PMID: 23516486, 28193182)

Genetic Diagnostic Laboratory, University of Pennsylvania School of Medicine
Classification: Pathogenic for Retinoblastoma. Last evaluated: 2024-05-20. Review status: criteria provided, single submitter. Criteria: ACMG Guidelines, 2015. Collection method: clinical testing. Allele origin: germline. Affected: yes. Observed: 2 variant alleles.
Comment: Case and Pedigree Information: BILATERAL CASES:1, UNILATERAL CASES:1, TOTAL CASES:2, PEDIGREES:2. ACMG Codes Applied:PVS1, PM2

Labcorp Genetics (formerly Invitae), Labcorp
Classification: Pathogenic for Retinoblastoma. Last evaluated: 2022-03-13. Review status: criteria provided, single submitter. Criteria: Invitae Variant Classification Sherloc (09022015). Collection method: clinical testing. Allele origin: germline.
Comment: For these reasons, this variant has been classified as Pathogenic. Algorithms developed to predict the effect of sequence changes on RNA splicing suggest that this variant may disrupt the consensus splice site. ClinVar contains an entry for this variant (Variation ID: 428704). This variant is also known as g.162111G>C. Disruption of this splice site has been observed in individual(s) with bilateral retinoblastoma (PMID: 15884040, 28193182). In at least one individual the variant was observed to be de novo. This variant is not present in population databases (gnomAD no frequency). This sequence change affects a donor splice site in intron 22 of the RB1 gene. It is expected to disrupt RNA splicing. Variants that disrupt the donor or acceptor splice site typically lead to a loss of protein function (PMID: 16199547), and loss-of-function variants in RB1 are known to be pathogenic (PMID: 17096365).

Ambry Genetics
Classification: Likely pathogenic for Hereditary cancer-predisposing syndrome. Last evaluated: 2014-12-18. Review status: criteria provided, single submitter. Criteria: Ambry Variant Classification Scheme 2023. Collection method: clinical testing. Allele origin: germline.
Comment: The c.2325+1G>C intronic variant results from a G to C substitution one nucleotide after coding exon 22 of the RB1 gene. This variant was not reported in population based cohorts in the following databases: Database of Single Nucleotide Polymorphisms (dbSNP), NHLBI Exome Sequencing Project (ESP), and 1000 Genomes Project. In the ESP, this variant was not observed in 6,503 samples (13,006 alleles) with coverage at this position. To date, this alteration has been detected with an allele frequency of approximately 0.25% (greater than 400 alleles tested) in our clinical cohort. This nucleotide position is highly conserved in available vertebrate species. Using the ESEfinder splice site prediction tools, this alteration is predicted to abolish the native donor splice site; however, direct evidence is unavailable. Alterations that disrupt the canonical splice donor site are typically deleterious in nature (ACMG Recommendations for Standards for Interpretation and Reporting of Sequence Variations. Revision 2007. Genet Med. 2008;10:294). As such, the c.2325+1G>C variant is classified as likely pathogenic.

Literature cited by the submitters: PubMed 15884040 (cited by Labcorp Genetics (formerly Invitae), Labcorp); PubMed 28193182 (cited by Labcorp Genetics (formerly Invitae), Labcorp); PubMed 16199547 (cited by Labcorp Genetics (formerly Invitae), Labcorp); PubMed 17096365 (cited by Labcorp Genetics (formerly Invitae), Labcorp).